The following is an entry in ClinVar:

NM_000051.4(ATM):c.2033T>C (p.Ile678Thr)

Gene: ATM (ATM serine/threonine kinase; plus strand). Cytogenetic location: 11q22.3.
Variant type: single nucleotide variant.
Coding change: c.2033T>C on transcript NM_000051.4 (MANE Select); coding-DNA position 2033, T replaced by C.
Protein change: p.Ile678Thr; replaces isoleucine 678 with threonine.
Molecular consequence: missense variant.
Genome position (GRCh38, 1-based): chr11:108,253,948, T>C. VCF-style: chr11-108253948-T-C. GRCh37 (hg19) VCF-style: chr11-108124675-T-C.
Other names: c.2033T>C, p.Ile678Thr (NM_001351834.2); short protein forms I678T.
Identifiers: ClinVar variation 482525 (VCV000482525.26), dbSNP rs1485409783, ClinGen allele CA382537391.

ClinVar aggregate classification (germline): Conflicting classifications of pathogenicity. Review status: criteria provided, conflicting classifications (1 of 4 stars). 6 submissions from 6 submitters: Uncertain significance (5); Likely benign (1). Last evaluated 2025-12-31.

Conditions:
Familial cancer of breast. Also called: BREAST CANCER, FAMILIAL; Hereditary breast cancer; hereditary breast carcinoma. Identifiers: Orphanet 227535, MedGen C0346153, MONDO:0016419, OMIM 114480. Disease mechanism: loss of function.
Breast and/or ovarian cancer. Identifiers: MedGen CN221562.
Hereditary cancer-predisposing syndrome. Also called: Hereditary neoplastic syndrome; Neoplastic Syndromes, Hereditary; Tumor predisposition; Hereditary Cancer Syndrome. Identifiers: Orphanet 140162, MedGen C0027672, MeSH D009386, MONDO:0015356.
Ataxia-telangiectasia syndrome (AT). Also called: LOUIS-BAR SYNDROME; Cerebello-oculocutaneous telangiectasia; Immunodeficiency with ataxia telangiectasia; AT, COMPLEMENTATION GROUP C; Ataxia-telangiectasia, complementation group D; ATAXIA-TELANGIECTASIA, COMPLEMENTATION GROUP A. Identifiers: Orphanet 100, MedGen C0004135, MONDO:0008840, OMIM 208900.

Allele frequency attached by ClinVar (database versions not stated): gnomAD exomes below 0.00001 and 0.00001.
gnomAD v4.1: 3 of 1,614,100 alleles (0.00019%); highest among the groups gnomAD compares: Admixed American, 0.0033%; no homozygotes.

Submissions (6):

Labcorp Genetics (formerly Invitae), Labcorp
Classification: Uncertain significance for Ataxia-telangiectasia syndrome. Last evaluated: 2025-12-31. Review status: criteria provided, single submitter. Criteria: Invitae Variant Classification Sherloc (09022015). Collection method: clinical testing. Allele origin: germline.
Comment: This sequence change replaces isoleucine, which is neutral and non-polar, with threonine, which is neutral and polar, at codon 678 of the ATM protein (p.Ile678Thr). This variant is present in population databases (no rsID available, gnomAD 0.003%). This variant has not been reported in the literature in individuals affected with ATM-related conditions. ClinVar contains an entry for this variant (Variation ID: 482525). Invitae Evidence Modeling of protein sequence and biophysical properties (such as structural, functional, and spatial information, amino acid conservation, physicochemical variation, residue mobility, and thermodynamic stability) indicates that this missense variant is not expected to disrupt ATM protein function with a negative predictive value of 95%. In summary, the available evidence is currently insufficient to determine the role of this variant in disease. Therefore, it has been classified as a Variant of Uncertain Significance.

Ambry Genetics
Classification: Likely benign for Hereditary cancer-predisposing syndrome. Last evaluated: 2024-05-23. Review status: criteria provided, single submitter. Criteria: Ambry Variant Classification Scheme 2023. Collection method: clinical testing. Allele origin: germline.

Color Diagnostics, LLC DBA Color Health
Classification: Uncertain significance for Hereditary cancer-predisposing syndrome. Last evaluated: 2023-12-05. Review status: criteria provided, single submitter. Criteria: ACMG Guidelines, 2015. Collection method: clinical testing. Allele origin: germline.
Comment: This missense variant replaces isoleucine with threonine at codon 678 of the ATM protein. Computational prediction tools and conservation analyses suggest that this variant may not impact the protein function. Computational splicing tools suggest that this variant may not impact RNA splicing. To our knowledge, functional assays have not been performed for this variant nor has this variant been reported in individuals affected with hereditary cancer in the literature. This variant has been identified in 1/251408 chromosomes in the general population by the Genome Aggregation Database (gnomAD). Available evidence is insufficient to determine the role of this variant in disease conclusively. Therefore, this variant is classified as a Variant of Uncertain Significance.

MGZ Medical Genetics Center
Classification: Uncertain significance for Familial cancer of breast. Last evaluated: 2022-06-09. Review status: criteria provided, single submitter. Criteria: ACMG Guidelines, 2015. Collection method: clinical testing. Allele origin: germline. Affected: yes. Observed: 1 variant allele.
Comment: ACMG criteria applied: PM2_SUP, BP4

CHEO Genetics Diagnostic Laboratory, Children's Hospital of Eastern Ontario
Classification: Uncertain significance for Breast and/or ovarian cancer. Last evaluated: 2021-11-18. Review status: criteria provided, single submitter. Criteria: ACMG Guidelines, 2015. Collection method: clinical testing. Allele origin: germline.

Women's Health and Genetics/Laboratory Corporation of America, LabCorp
Classification: Uncertain significance. Last evaluated: 2021-03-07. Review status: criteria provided, single submitter. Criteria: LabCorp Variant Classification Summary - May 2015. Collection method: clinical testing. Allele origin: germline.
Comment: Variant summary: ATM c.2033T>C (p.Ile678Thr) results in a non-conservative amino acid change in the encoded protein sequence. Four of five in-silico tools predict a benign effect of the variant on protein function. The variant allele was found at a frequency of 4e-06 in 251408 control chromosomes. The available data on variant occurrences in the general population are insufficient to allow any conclusion about variant significance. To our knowledge, no occurrence of c.2033T>C in individuals affected with Breast Cancer and no experimental evidence demonstrating its impact on protein function have been reported. Three clinical diagnostic laboratories have submitted clinical-significance assessments for this variant to ClinVar after 2014 without evidence for independent evaluation. All laboratories classified the variant as uncertain significance. Based on the evidence outlined above, the variant was classified as uncertain significance.